The following is an entry in ClinVar:

ClinVar aggregate classification (germline): Uncertain significance. Review status: criteria provided, multiple submitters, no conflicts (2 of 4 stars). 2 submissions from 2 submitters: Uncertain significance (2). Last evaluated 2025-11-26.

Conditions:
Familial adenomatous polyposis 2. Also called: COLORECTAL ADENOMATOUS POLYPOSIS, AUTOSOMAL RECESSIVE; ADENOMAS, MULTIPLE COLORECTAL, AUTOSOMAL RECESSIVE; MYH-associated polyposis; MUTYH-associated polyposis; MUTYH-related attenuated familial adenomatous polyposis; FAP type 2. Identifiers: Orphanet 220460, Orphanet 247798, MedGen C3272841, MONDO:0012041, OMIM 608456.
Hereditary cancer-predisposing syndrome. Also called: Tumor predisposition; Neoplastic Syndromes, Hereditary; Hereditary Cancer Syndrome; Hereditary neoplastic syndrome. Identifiers: Orphanet 140162, MedGen C0027672, MeSH D009386, MONDO:0015356.

Submissions (2):

Labcorp Genetics (formerly Invitae), Labcorp
Classification: Uncertain significance for Familial adenomatous polyposis 2. Last evaluated: 2025-11-26. Review status: criteria provided, single submitter. Criteria: Invitae Variant Classification Sherloc (09022015). Collection method: clinical testing. Allele origin: germline.
Comment: This sequence change replaces serine, which is neutral and polar, with cysteine, which is neutral and slightly polar, at codon 259 of the MUTYH protein (p.Ser259Cys). This variant is not present in population databases (gnomAD no frequency). This variant has not been reported in the literature in individuals affected with MUTYH-related conditions. ClinVar contains an entry for this variant (Variation ID: 4113831). An algorithm developed to predict the effect of missense changes on protein structure and function (PolyPhen-2) suggests that this variant is likely to be disruptive. In summary, the available evidence is currently insufficient to determine the role of this variant in disease. Therefore, it has been classified as a Variant of Uncertain Significance.

Ambry Genetics
Classification: Uncertain significance for Hereditary cancer-predisposing syndrome. Last evaluated: 2025-08-27. Review status: criteria provided, single submitter. Criteria: Ambry Variant Classification Scheme 2023. Collection method: clinical testing. Allele origin: germline.
Comment: The p.S259C variant (also known as c.776C>G), located in coding exon 9 of the MUTYH gene, results from a C to G substitution at nucleotide position 776. The serine at codon 259 is replaced by cysteine, an amino acid with dissimilar properties. This amino acid position is conserved. In addition, the in silico prediction for this alteration is inconclusive. Based on the available evidence, the clinical significance of this variant remains unclear.

NM_001048174.2(MUTYH):c.692C>G (p.Ser231Cys)

Gene: MUTYH (mutY DNA glycosylase; minus strand). Cytogenetic location: 1p34.1.
Variant type: single nucleotide variant.
Coding change: c.692C>G on transcript NM_001048174.2 (MANE Select); coding-DNA position 692, C replaced by G.
Protein change: p.Ser231Cys; replaces serine 231 with cysteine.
Molecular consequence: missense variant. On other transcripts: non-coding transcript variant (7).
Genome position (GRCh38, 1-based): chr1:45,332,403, G>C on the plus strand (C>G on the coding strand, the complement: MUTYH is on the minus strand). VCF-style: chr1-45332403-G-C. GRCh37 (hg19) VCF-style: chr1-45798075-G-C.
Other names: c.776C>G, p.Ser259Cys (NM_001128425.2); c.737C>G, p.Ser246Cys (NM_001293190.2); c.725C>G, p.Ser242Cys (NM_001293191.2, NM_001407069.1, NM_001407077.1); c.416C>G, p.Ser139Cys (NM_001293192.2, NM_001293196.2, NM_001407091.1); c.692C>G, p.Ser231Cys (NM_001293195.2, NM_001407081.1, NM_001407088.1 and 6 more transcripts); c.347C>G, p.Ser116Cys (NM_001350650.2, NM_001407082.1, NM_001350651.2); c.650C>G, p.Ser217Cys (NM_001407080.1); c.734C>G, p.Ser245Cys (NM_001407083.1, NM_001407085.1); and 5 more; short protein forms S139C, S218C, S116C, S217C, S231C, S242C, S245C, S259C.
Identifiers: ClinVar variation 4113831 (VCV004113831.2).